The following is an entry in ClinVar:

ClinVar aggregate classification (germline): Pathogenic/Likely pathogenic. Review status: criteria provided, multiple submitters, no conflicts (2 of 4 stars). 4 submissions from 4 submitters: Pathogenic (2); Likely pathogenic (2). Last evaluated 2025-07-07.

Conditions:
Hereditary cancer-predisposing syndrome. Also called: Tumor predisposition; Hereditary neoplastic syndrome; Hereditary Cancer Syndrome; Neoplastic Syndromes, Hereditary. Identifiers: Orphanet 140162, MedGen C0027672, MeSH D009386, MONDO:0015356.
Fanconi anemia (FA). Also called: Fanconi's anemia. Identifiers: Orphanet 84, MedGen C0015625, MeSH D005199, MONDO:0019391.
Fanconi anemia complementation group C (FANCC). Also called: FANCC-Related Fanconi Anemia; FANCONI PANCYTOPENIA, TYPE 3; FACC; Fanconi anemia, group C. Identifiers: Orphanet 84, MedGen C3468041, MONDO:0009213, OMIM 227645.

Submissions (4):

Labcorp Genetics (formerly Invitae), Labcorp
Classification: Pathogenic for Fanconi anemia. Last evaluated: 2025-07-07. Review status: criteria provided, single submitter. Criteria: Invitae Variant Classification Sherloc (09022015). Collection method: clinical testing. Allele origin: germline.
Comment: This sequence change creates a premature translational stop signal (p.Gln465Aspfs*49) in the FANCC gene. While this is not anticipated to result in nonsense mediated decay, it is expected to disrupt the last 94 amino acid(s) of the FANCC protein. This variant is not present in population databases (gnomAD no frequency). This variant has not been reported in the literature in individuals affected with FANCC-related conditions. ClinVar contains an entry for this variant (Variation ID: 578039). This variant disrupts a region of the FANCC protein in which other variant(s) (p.Arg548*) have been determined to be pathogenic (PMID: 8103176, 8882868, 24584348). This suggests that this is a clinically significant region of the protein, and that variants that disrupt it are likely to be disease-causing. For these reasons, this variant has been classified as Pathogenic.

Natera, Inc.
Classification: Likely pathogenic for Fanconi anemia. Last evaluated: 2025-05-02. Review status: criteria provided, single submitter. Criteria: Natera Variant Classification Schema (03/2026). Collection method: clinical testing. Allele origin: germline.
Comment: The c.1392_1402delCCAGGACCTGC variant in FANCC is a frameshift variant predicted to shift the reading frame beginning at codon 465 and leads to a stop codon 49 codons downstream. This variant is expected to result in nonsense mediated decay, truncation, or a dysfunctional protein product. This variant is rare in the general population with a frequency below the threshold expected for the associated phenotype(s). Given the available evidence, this variant is classified as Likely Pathogenic.

Ambry Genetics
Classification: Pathogenic for Hereditary cancer-predisposing syndrome. Last evaluated: 2023-12-23. Review status: criteria provided, single submitter. Criteria: Ambry Variant Classification Scheme 2023. Collection method: clinical testing. Allele origin: germline.
Comment: The c.1392_1402del11 pathogenic mutation, located in coding exon 13 of the FANCC gene, results from a deletion of 11 nucleotides at nucleotide positions 1392 to 1402, causing a translational frameshift with a predicted alternate stop codon (p.Q465Dfs*49). This variant is considered to be rare based on population cohorts in the Genome Aggregation Database (gnomAD). This alteration occurs at the 3' terminus of theFANCC gene, is not expected to trigger nonsense-mediated mRNA decay, and only impacts the last 94 amino acids of the protein. However, premature stop codons are typically deleterious in nature, the impacted region is critical for protein function, and a significant portion of the protein is affected (Ambry internal data). Based on the supporting evidence, this alteration is interpreted as a disease-causing mutation.

Baylor Genetics
Classification: Likely pathogenic for Fanconi anemia complementation group C. Last evaluated: 2023-02-20. Review status: criteria provided, single submitter. Criteria: ACMG Guidelines, 2015. Collection method: clinical testing. Allele origin: unknown.

Literature cited by the submitters: PubMed 8103176 (cited by Labcorp Genetics (formerly Invitae), Labcorp); PubMed 8882868 (cited by Labcorp Genetics (formerly Invitae), Labcorp); PubMed 24584348 (cited by Labcorp Genetics (formerly Invitae), Labcorp).

NM_000136.3(FANCC):c.1392_1402del (p.Gln465fs)

Genes: AOPEP (aminopeptidase O (putative); plus strand), FANCC (FA complementation group C; minus strand). Cytogenetic location: 9q22.32.
Variant type: Deletion.
Coding change: c.1392_1402del on transcript NM_000136.3 (MANE Select); coding-DNA positions 1392 to 1402, 11 bases deleted (CCAGGACCTGC).
Protein change: p.Gln465fs; shifts the reading frame from glutamine 465.
Molecular consequence: frameshift variant.
Genome position (GRCh38, 1-based): chr9:95,107,197-95,107,207, GCAGGTCCTGG deleted on the plus strand (CCAGGACCTGC on the coding strand, the reverse complement: FANCC is on the minus strand); deleting any 11 consecutive bases within chr9:95,107,197-95,107,209 gives the same sequence; the c. name uses the placement nearest the transcript's 3' end. VCF-style (leftmost placement, unchanged base first): chr9-95107196-TGCAGGTCCTGG-T. GRCh37 (hg19) VCF-style: chr9-97869478-TGCAGGTCCTGG-T.
Other names: c.1392_1402del, p.Gln465fs (NM_001243743.2); c.1392_1402del (NM_000136.2); c.1392_1402del11 (NM_000136.2); short protein forms Q465fs.
Identifiers: ClinVar variation 578039 (VCV000578039.13), dbSNP rs1564641485, ClinGen allele CA891842583.
Genomic context (GRCh38, chr9:95,107,196, plus strand): 5'-CTGATCAGCTGTTGTGCAGGAGCTCTGAGGTCTGTGTCTGTGCCCTGTCCTGCTACCGTC[TGCAGGTCCTGG>T]GCTGAGAGGCTGCTGCTTCTGGACATTGCCAGGAGGTGGCCCAGCACGGCCTTCACCTGG-3'